The following is an entry in ClinVar:

ClinVar aggregate classification (germline): Uncertain significance. Review status: criteria provided, multiple submitters, no conflicts (2 of 4 stars). 2 submissions from 2 submitters: Uncertain significance (2). Last evaluated 2019-09-26.

Conditions:
Dilated cardiomyopathy 1G (CMD1G). Identifiers: Orphanet 154, MedGen C1858763, MONDO:0011400, OMIM 604145.
Autosomal recessive limb-girdle muscular dystrophy type 2J (LGMDR10). Also called: Limb-girdle muscular dystrophy, type 2J; MUSCULAR DYSTROPHY, LIMB-GIRDLE, AUTOSOMAL RECESSIVE 10. Identifiers: Orphanet 140922, MedGen C1837342, MONDO:0012127, OMIM 608807.
Cardiovascular phenotype. Identifiers: MedGen CN230736.

Allele frequency attached by ClinVar (database versions not stated): gnomAD exomes below 0.00001.
gnomAD v4.1: 4 of 1,613,518 alleles (0.00025%); highest among the groups gnomAD compares: Non-Finnish European, 0.00034%; no homozygotes.

Submissions (2):

Ambry Genetics
Classification: Uncertain significance for Cardiovascular phenotype. Last evaluated: 2019-09-26. Review status: criteria provided, single submitter. Criteria: Ambry Variant Classification Scheme 2023. Collection method: clinical testing. Allele origin: germline.
Comment: The p.G23363D variant (also known as c.70088G>A), located in coding exon 176 of the TTN gene, results from a G to A substitution at nucleotide position 70088. The glycine at codon 23363 is replaced by aspartic acid, an amino acid with similar properties. This amino acid position is highly conserved in available vertebrate species. In addition, the in silico prediction for this alteration is inconclusive. Since supporting evidence is limited at this time, the clinical significance of this alteration remains unclear.

Labcorp Genetics (formerly Invitae), Labcorp
Classification: Uncertain significance for Dilated cardiomyopathy 1G; Autosomal recessive limb-girdle muscular dystrophy type 2J. Last evaluated: 2017-05-02. Review status: criteria provided, single submitter. Criteria: Invitae Variant Classification Sherloc (09022015). Collection method: clinical testing. Allele origin: germline.

NM_001267550.2(TTN):c.97283G>A (p.Gly32428Asp)

Genes: TTN-AS1 (TTN antisense RNA 1; plus strand), TTN (titin; minus strand). Cytogenetic location: 2q31.2.
Variant type: single nucleotide variant.
Coding change: c.97283G>A on transcript NM_001267550.2 (MANE Select); coding-DNA position 97283, G replaced by A.
Protein change: p.Gly32428Asp; replaces glycine 32428 with aspartic acid.
Molecular consequence: missense variant.
Genome position (GRCh38, 1-based): chr2:178,542,473, C>T on the plus strand (G>A on the coding strand, the complement: TTN is on the minus strand). VCF-style: chr2-178542473-C-T. GRCh37 (hg19) VCF-style: chr2-179407200-C-T.
Other names: c.92360G>A, p.Gly30787Asp (NM_001256850.1); c.70088G>A, p.Gly23363Asp (NM_003319.4); c.89579G>A, p.Gly29860Asp (NM_133378.4); c.70463G>A, p.Gly23488Asp (NM_133432.3); c.70664G>A, p.Gly23555Asp (NM_133437.4); short protein forms G32428D, G23555D, G29860D, G30787D, G23488D, G23363D.
Identifiers: ClinVar variation 405185 (VCV000405185.5), dbSNP rs1060500592, ClinGen allele CA16610208.
Genomic context (GRCh38, chr2:178,542,473, plus strand): 5'-AGCCATCCTGGACGATGAGCGTCACGTTGTTCTACCACATAACCACTCAGTGGAGCACCA[C>T]CGTCCAATTCAGGTGGTTCCCAGGAAATGGTAATTGATGTAGCATCAATTTCATCAATCT-3'
Protein context (NP_001254479.2, residues 32418-32438): TISWEPPELD[Gly32428Asp]GAPLSGYVVE